The following is an entry in ClinVar:

ClinVar aggregate classification (germline): Pathogenic (1 of 4 stars; one submission).

Conditions:
Neurofibromatosis, type 1 (NF1). Also called: Peripheral type neurofibromatosis; VON RECKLINGHAUSEN DISEASE; Neurofibromatosis, type I; NEUROFIBROMATOSIS, TYPE I, SOMATIC. Identifiers: Orphanet 636, MedGen C0027831, MONDO:0018975, OMIM 162200. Disease mechanism: loss of function.

Submission:

Labcorp Genetics (formerly Invitae), Labcorp
Classification: Pathogenic for Neurofibromatosis, type 1. Last evaluated: 2021-05-27. Review status: criteria provided, single submitter. Criteria: Invitae Variant Classification Sherloc (09022015). Collection method: clinical testing. Allele origin: germline.
Comment: For these reasons, this variant has been classified as Pathogenic. This variant has not been reported in the literature in individuals with NF1-related conditions. ClinVar contains an entry for this variant (Variation ID: 939126). This variant is not present in population databases (ExAC no frequency). This sequence change creates a premature translational stop signal (p.Ser2576Phefs*28) in the NF1 gene. It is expected to result in an absent or disrupted protein product. Loss-of-function variants in NF1 are known to be pathogenic (PMID: 10712197, 23913538).

Literature cited by the submitters: PubMed 10712197; PubMed 23913538.

NM_001042492.3(NF1):c.7788_7789dup (p.Ser2597fs)

Gene: NF1 (neurofibromin 1; plus strand). Cytogenetic location: 17q11.2.
Variant type: Duplication.
Coding change: c.7788_7789dup on transcript NM_001042492.3 (MANE Select); coding-DNA positions 7788 to 7789, 2 bases duplicated (TT; older notation c.7788_7789dupTT).
Protein change: p.Ser2597fs; shifts the reading frame from serine 2597.
Molecular consequence: frameshift variant.
Genome position (GRCh38, 1-based): chr17:31,357,009-31,357,010, TT duplicated; duplicating any 2 consecutive bases within chr17:31,357,008-31,357,010 gives the same sequence; the c. name uses the placement nearest the transcript's 3' end. VCF-style (leftmost placement, unchanged base first): chr17-31357007-G-GTT. GRCh37 (hg19) VCF-style: chr17-29684025-G-GTT.
Other names: c.7725_7726dup, p.Ser2576Phefs (NM_000267.4); short protein forms S2597fs, S2576fs.
Identifiers: ClinVar variation 939126 (VCV000939126.6), dbSNP rs2070287917, ClinGen allele CA1139665480.
Genomic context (GRCh38, chr17:31,357,007, plus strand): 5'-TATCTTGCTGCAGAAACTCAGAGGATTTCCTCATCACAACAGCACCCACATTTACGTAAA[G>GTT]TTTCAGTGTCTGAATCAAATGTTCTCTTGGATGAAGAAGTACTTACTGATCCGAAGATCC-3'